The following is an entry in ClinVar:

ClinVar aggregate classification (germline): Conflicting classifications of pathogenicity. Review status: criteria provided, conflicting classifications (1 of 4 stars). 3 submissions from 3 submitters: Uncertain significance (2); Likely benign (1). Last evaluated 2025-05-13.

Conditions:
Cleidocranial dysostosis (CLCD1). Also called: Marie-Sainton disease; cleidocranial dysplasia 1; Cleidocranial Dysplasia Spectrum Disorder. Identifiers: Orphanet 1452, MedGen C0008928, MONDO:0007340, OMIM 119600.
Inborn genetic diseases. Identifiers: MedGen C0950123, MeSH D030342.

Allele frequency attached by ClinVar (database versions not stated): TOPMed 0.00002; gnomAD exomes 0.00004 and 0.00006; ExAC 0.00005; gnomAD 0.00005.
gnomAD v4.1: 91 of 1,531,142 alleles (0.0059%); highest among the groups gnomAD compares: Non-Finnish European, 0.0073%; no homozygotes.

Submissions (3):

Ambry Genetics
Classification: Uncertain significance for Inborn genetic diseases. Last evaluated: 2025-05-13. Review status: criteria provided, single submitter. Criteria: Ambry Variant Classification Scheme 2023. Collection method: clinical testing. Allele origin: germline.

Labcorp Genetics (formerly Invitae), Labcorp
Classification: Uncertain significance. Last evaluated: 2024-09-22. Review status: criteria provided, single submitter. Criteria: Invitae Variant Classification Sherloc (09022015). Collection method: clinical testing. Allele origin: germline.
Comment: This sequence change replaces glutamine, which is neutral and polar, with arginine, which is basic and polar, at codon 59 of the RUNX2 protein (p.Gln59Arg). The frequency data for this variant in the population databases is considered unreliable, as metrics indicate poor data quality at this position in the gnomAD database. This variant has not been reported in the literature in individuals affected with RUNX2-related conditions. ClinVar contains an entry for this variant (Variation ID: 911153). An algorithm developed to predict the effect of missense changes on protein structure and function (PolyPhen-2) suggests that this variant is likely to be tolerated. In summary, the available evidence is currently insufficient to determine the role of this variant in disease. Therefore, it has been classified as a Variant of Uncertain Significance.

Illumina Laboratory Services, Illumina
Classification: Likely benign for Cleidocranial dysostosis. Last evaluated: 2018-01-13. Review status: criteria provided, single submitter. Criteria: ICSL Variant Classification Criteria 13 December 2019. Collection method: clinical testing. Allele origin: germline.
Comment: This variant was observed in the ICSL laboratory as part of a predisposition screen in an ostensibly healthy population. It had not been previously curated by ICSL or reported in the Human Gene Mutation Database (HGMD: prior to June 1st, 2018), and was therefore a candidate for classification through an automated scoring system. Utilizing variant allele frequency, disease prevalence and penetrance estimates, and inheritance mode, an automated score was calculated to assess if this variant is too frequent to cause the disease. Based on the score and internal cut-off values, a variant classified as likely benign is not then subjected to further curation. The score for this variant resulted in a classification of likely benign for this disease.

NM_001024630.4(RUNX2):c.176A>G (p.Gln59Arg)

Genes: RUNX2 (RUNX family transcription factor 2; plus strand), LOC109611589 (runt related transcription factor 2 polyalanine expansion region; plus strand). Cytogenetic location: 6p21.1.
Variant type: single nucleotide variant.
Coding change: c.176A>G on transcript NM_001024630.4 (MANE Select); coding-DNA position 176, A replaced by G.
Protein change: p.Gln59Arg; replaces glutamine 59 with arginine.
Molecular consequence: missense variant.
Genome position (GRCh38, 1-based): chr6:45,422,710, A>G. VCF-style: chr6-45422710-A-G. GRCh37 (hg19) VCF-style: chr6-45390447-A-G.
Other names: c.176A>G, p.Gln59Arg (NM_001015051.4); c.134A>G, p.Gln45Arg (NM_001278478.2, NM_001369405.1); short protein forms Q45R, Q59R.
Identifiers: ClinVar variation 911153 (VCV000911153.10), dbSNP rs779943223, ClinGen allele CA3836290.